The following is an entry in ClinVar:

NM_002528.7(NTHL1):c.363_370del (p.Arg121fs)

Gene: NTHL1 (nth like DNA glycosylase 1; minus strand). Cytogenetic location: 16p13.3.
Variant type: Deletion.
Coding change: c.363_370del on transcript NM_002528.7 (MANE Select); coding-DNA positions 363 to 370, 8 bases deleted (GTACCAGG; older notation c.363_370delGTACCAGG).
Protein change: p.Arg121fs; shifts the reading frame from arginine 121.
Molecular consequence: frameshift variant. On other transcripts: intron variant (1).
Genome position (GRCh38, 1-based): chr16:2,044,785-2,044,792, CCTGGTAC deleted on the plus strand (GTACCAGG on the coding strand, the reverse complement: NTHL1 is on the minus strand); deleting any 8 consecutive bases within chr16:2,044,785-2,044,793 gives the same sequence; the c. name uses the placement nearest the transcript's 3' end. VCF-style (leftmost placement, unchanged base first): chr16-2044784-ACCTGGTAC-A. GRCh37 (hg19) VCF-style: chr16-2094785-ACCTGGTAC-A.
Other names: c.33_40del, p.Arg11fs (NM_001318194.2); c.355-1066_355-1059del (NM_001318193.2); short protein forms R11fs, R121fs.
Identifiers: ClinVar variation 3904738 (VCV003904738.1).

ClinVar aggregate classification (germline): Pathogenic (1 of 4 stars; one submission).

Conditions:
Familial adenomatous polyposis 3. Also called: NTHL1-related attenuated familial adenomatous polyposis; NTHL1-associated polyposis; NTHL1 Tumor Syndrome; NTHL1-Related Adenomatous Polyposis and Colorectal Cancer. Identifiers: Orphanet 220460, Orphanet 454840, MedGen C4225157, MONDO:0014630, OMIM 616415.

Submission:

Myriad Genetics, Inc.
Classification: Pathogenic for Familial adenomatous polyposis 3. Last evaluated: 2025-03-10. Review status: criteria provided, single submitter. Criteria: Myriad Autosomal Dominant, Autosomal Recessive and X-Linked Classification Criteria (2023). Collection method: clinical testing. Allele origin: unknown.
Comment: This variant is considered pathogenic. This variant creates a frameshift predicted to result in premature protein truncation.